The following is an entry in ClinVar:

ClinVar aggregate classification (germline): Benign. Review status: criteria provided, multiple submitters, no conflicts (2 of 4 stars). 5 submissions from 5 submitters: Benign (5). Last evaluated 2026-02-04.

Conditions:
Hereditary spastic paraplegia 45. Also called: Spastic paraplegia 45, autosomal recessive; SPASTIC PARAPLEGIA 45. Identifiers: Orphanet 320396, MedGen C3888209, MONDO:0013165, OMIM 613162.

Allele frequency attached by ClinVar (database versions not stated): ESP Exome Variant Server 0.39682; gnomAD exomes 0.39871 and 0.41255; gnomAD 0.40426 and 0.40562; TOPMed 0.40713; 1000 Genomes Project 30x 0.41708; ExAC 0.41710; 1000 Genomes Project 0.42212.
gnomAD v4.1: 643,998 of 1,611,386 alleles (40%); highest among the groups gnomAD compares: Middle Eastern, 44%; 129,685 homozygotes.

Submissions (5):

Labcorp Genetics (formerly Invitae), Labcorp
Classification: Benign for Hereditary spastic paraplegia 45. Last evaluated: 2026-02-04. Review status: criteria provided, single submitter. Criteria: Invitae Variant Classification Sherloc (09022015). Collection method: clinical testing. Allele origin: germline.

Blueprint Genetics
Classification: Benign. Last evaluated: 2024-11-27. Review status: criteria provided, single submitter. Criteria: ACMG Guidelines, 2015. Collection method: clinical testing. Allele origin: germline.

Mayo Clinic Laboratories, Mayo Clinic
Classification: Benign. Last evaluated: 2022-03-24. Review status: criteria provided, single submitter. Criteria: ACMG Guidelines, 2015. Collection method: clinical testing. Allele origin: germline. Observed: 202 variant alleles.

GeneDx
Classification: Benign. Last evaluated: 2016-01-22. Review status: criteria provided, single submitter. Criteria: GeneDx Variant Classification (06012015). Collection method: clinical testing. Allele origin: germline. Affected: yes.
Comment: This variant is considered likely benign or benign based on one or more of the following criteria: it is a conservative change, it occurs at a poorly conserved position in the protein, it is predicted to be benign by multiple in silico algorithms, and/or has population frequency not consistent with disease.

Breakthrough Genomics
Classification: Benign. Review status: criteria provided, single submitter. Criteria: ACMG Guidelines, 2015. Collection method: not provided. Allele origin: germline. Inheritance: Autosomal recessive inheritance. Affected: yes.

NM_001351169.2(NT5C2):c.1647C>T (p.Asp549=)

Genes: CNNM2 (cyclin and CBS domain divalent metal cation transport mediator 2; plus strand), NT5C2 (5'-nucleotidase, cytosolic II; minus strand). Cytogenetic location: 10q24.32.
Variant type: single nucleotide variant.
Coding change: c.1647C>T on transcript NM_001351169.2 (MANE Select); coding-DNA position 1647, C replaced by T.
Protein change: p.Asp549=; no amino-acid change (aspartic acid 549 retained).
Molecular consequence: synonymous variant. On other transcripts: 3 prime UTR variant (2).
Genome position (GRCh38, 1-based): chr10:103,089,711, G>A on the plus strand (C>T on the coding strand, the complement: NT5C2 is on the minus strand). VCF-style: chr10-103089711-G-A. GRCh37 (hg19) VCF-style: chr10-104849468-G-A.
Other names: p.Asp549=; c.1647C>T, p.Asp549= (NM_001134373.3, NM_012229.5); c.1671C>T, p.Asp557= (NM_001351170.2, NM_001351171.2, NM_001351172.2 and 1 more transcripts); c.1560C>T, p.Asp520= (NM_001351174.1); c.1554C>T, p.Asp518= (NM_001351175.2); c.1074C>T, p.Asp358= (NM_001351176.2, NM_001351177.2, NM_001351178.2 and 16 more transcripts); c.933C>T, p.Asp311= (NM_001351194.2, NM_001351195.2, NM_001351196.2); c.*12531G>A (NM_017649.5, NM_199076.3).
Identifiers: ClinVar variation 380852 (VCV000380852.14), dbSNP rs3740387, ClinGen allele CA5670711.